The following is an entry in ClinVar:

NM_022455.5(NSD1):c.7802G>T (p.Arg2601Met)

Gene: NSD1 (nuclear receptor binding SET domain protein 1; plus strand). Cytogenetic location: 5q35.3.
Variant type: single nucleotide variant.
Coding change: c.7802G>T on transcript NM_022455.5 (MANE Select); coding-DNA position 7802, G replaced by T.
Protein change: p.Arg2601Met; replaces arginine 2601 with methionine.
Molecular consequence: missense variant.
Genome position (GRCh38, 1-based): chr5:177,295,170, G>T. VCF-style: chr5-177295170-G-T. GRCh37 (hg19) VCF-style: chr5-176722171-G-T.
Other names: c.7040G>T, p.Arg2347Met (NM_001409307.1, NM_001409306.1); c.6929G>T, p.Arg2310Met (NM_001409308.1, NM_172349.5, NM_001365684.2); c.6680G>T, p.Arg2227Met (NM_001409309.1); c.7382G>T, p.Arg2461Met (NM_001409304.1); c.7049G>T, p.Arg2350Met (NM_001409305.1); c.7802G>T, p.Arg2601Met (NM_001409301.1, NM_001409302.1, NM_001409303.1); short protein forms R2227M, R2310M, R2461M, R2601M, R2350M, R2347M.
Identifiers: ClinVar variation 3669137 (VCV003669137.2).
Genomic context (GRCh38, chr5:177,295,170, plus strand): 5'-AGCAGATGGTCGGAGGCCAGCAACTACCTGCACTTGCCGCCAAGAGTGGGCAATCTTTTA[G>T]GTCTCTCGGGAAGGCCCCAGCCTCCCTCCCCACTGAAGAAAAGAAGTTGGTAACCACAGA-3'
Protein context (NP_071900.2, residues 2591-2611): ALAAKSGQSF[Arg2601Met]SLGKAPASLP

ClinVar aggregate classification (germline): Uncertain significance (1 of 4 stars; one submission).

Submission:

Labcorp Genetics (formerly Invitae), Labcorp
Classification: Uncertain significance. Last evaluated: 2023-06-17. Review status: criteria provided, single submitter. Criteria: Invitae Variant Classification Sherloc (09022015). Collection method: clinical testing. Allele origin: germline.
Comment: In summary, the available evidence is currently insufficient to determine the role of this variant in disease. Therefore, it has been classified as a Variant of Uncertain Significance. Advanced modeling of protein sequence and biophysical properties (such as structural, functional, and spatial information, amino acid conservation, physicochemical variation, residue mobility, and thermodynamic stability) performed at Invitae indicates that this missense variant is expected to disrupt NSD1 protein function. This variant has not been reported in the literature in individuals affected with NSD1-related conditions. This variant is not present in population databases (gnomAD no frequency). This sequence change replaces arginine, which is basic and polar, with methionine, which is neutral and non-polar, at codon 2601 of the NSD1 protein (p.Arg2601Met).